The following is an entry in ClinVar:

ClinVar aggregate classification (germline): Pathogenic (1 of 4 stars; one submission).

Conditions:
Osteogenesis imperfecta type I (OI1). Also called: Lobstein disease; OI, TYPE I; OSTEOGENESIS IMPERFECTA TARDA; OSTEOGENESIS IMPERFECTA WITH BLUE SCLERAE; Lobstein's Disease; Classic Non-deforming Osteogenesis Imperfecta with Blue Sclerae. Identifiers: Orphanet 216796, Orphanet 666, MedGen C0023931, MONDO:0008146, OMIM 166200. Disease mechanism: loss of function.

Submission:

Labcorp Genetics (formerly Invitae), Labcorp
Classification: Pathogenic for Osteogenesis imperfecta type I. Last evaluated: 2021-06-19. Review status: criteria provided, single submitter. Criteria: Invitae Variant Classification Sherloc (09022015). Collection method: clinical testing. Allele origin: germline.
Comment: This sequence change affects a donor splice site in intron 43 of the COL1A1 gene. It is expected to disrupt RNA splicing. Variants that disrupt the donor or acceptor splice site typically lead to a loss of protein function (PMID: 16199547), and loss-of-function variants in COL1A1 are known to be pathogenic (PMID: 7942841, 9295084, 9443882). This variant is not present in population databases (ExAC no frequency). This variant has been observed in individual(s) with osteogenesis imperfecta (PMID: 25963598). Algorithms developed to predict the effect of sequence changes on RNA splicing suggest that this variant may disrupt the consensus splice site, but this prediction has not been confirmed by published transcriptional studies. For these reasons, this variant has been classified as Pathogenic.

Literature cited by the submitters: PubMed 16199547; PubMed 7942841; PubMed 9295084; PubMed 9443882; PubMed 25963598.

NM_000088.4(COL1A1):c.3207+2T>C

Gene: COL1A1 (collagen type I alpha 1 chain; minus strand). Cytogenetic location: 17q21.33.
Variant type: single nucleotide variant.
Coding change: c.3207+2T>C on transcript NM_000088.4 (MANE Select); the canonical splice donor site of the intron after coding-DNA position 3207, T replaced by C.
Molecular consequence: splice donor variant.
Genome position (GRCh38, 1-based): chr17:50,188,528, A>G on the plus strand (T>C on the coding strand, the complement: COL1A1 is on the minus strand). VCF-style: chr17-50188528-A-G. GRCh37 (hg19) VCF-style: chr17-48265889-A-G.
Identifiers: ClinVar variation 1452061 (VCV001452061.8), dbSNP rs2144545179, ClinGen allele CA400200487.
Genomic context (GRCh38, chr17:50,188,528, plus strand): 5'-TAAGGAGGCCTGAAGAGTCCCTGGCCTGACCAGGTACAGGGAACTGGAGCCCAGCTACTT[A>G]CAGTCTCACCACGATCACCACTCTTGCCAGCAGGGCCAACGGGGCCAGGGGCACCAGGAG-3'